The following is an entry in ClinVar:

NM_001146.5(ANGPT1):c.323T>G (p.Met108Arg)

Gene: ANGPT1 (angiopoietin 1; minus strand). Cytogenetic location: 8q23.1.
Variant type: single nucleotide variant.
Coding change: c.323T>G on transcript NM_001146.5 (MANE Select); coding-DNA position 323, T replaced by G.
Protein change: p.Met108Arg; replaces methionine 108 with arginine.
Molecular consequence: missense variant.
Genome position (GRCh38, 1-based): chr8:107,347,072, A>C on the plus strand (T>G on the coding strand, the complement: ANGPT1 is on the minus strand). VCF-style: chr8-107347072-A-C. GRCh37 (hg19) VCF-style: chr8-108359300-A-C.
Other names: c.323T>G, p.Met108Arg (NM_001199859.3); short protein forms M108R.
Identifiers: ClinVar variation 3606786 (VCV003606786.2).

ClinVar aggregate classification (germline): Uncertain significance (1 of 4 stars; one submission).

Submission:

Labcorp Genetics (formerly Invitae), Labcorp
Classification: Uncertain significance. Last evaluated: 2024-05-31. Review status: criteria provided, single submitter. Criteria: Invitae Variant Classification Sherloc (09022015). Collection method: clinical testing. Allele origin: germline.
Comment: This sequence change replaces methionine, which is neutral and non-polar, with arginine, which is basic and polar, at codon 108 of the ANGPT1 protein (p.Met108Arg). This variant is present in population databases (rs757320500, gnomAD 0.006%). This variant has not been reported in the literature in individuals affected with ANGPT1-related conditions. An algorithm developed to predict the effect of missense changes on protein structure and function (PolyPhen-2) suggests that this variant is likely to be disruptive. In summary, the available evidence is currently insufficient to determine the role of this variant in disease. Therefore, it has been classified as a Variant of Uncertain Significance.